The following is an entry in ClinVar:

ClinVar aggregate classification (germline): Uncertain significance. Review status: criteria provided, multiple submitters, no conflicts (2 of 4 stars). 3 submissions from 3 submitters: Uncertain significance (3). Last evaluated 2025-01-23.

Conditions:
Fanconi anemia complementation group P. Also called: SLX4-Related Fanconi Anemia. Identifiers: Orphanet 84, MedGen C3469542, MONDO:0013499, OMIM 613951.
Fanconi anemia (FA). Also called: Fanconi's anemia. Identifiers: Orphanet 84, MedGen C0015625, MeSH D005199, MONDO:0019391.

Allele frequency attached by ClinVar (database versions not stated): gnomAD 0.00001.
gnomAD v4.1: 1 of 1,613,342 alleles (0.000062%); highest among the groups gnomAD compares: East Asian, 0.0022%; no homozygotes.

Submissions (3):

Labcorp Genetics (formerly Invitae), Labcorp
Classification: Uncertain significance for Fanconi anemia. Last evaluated: 2025-01-23. Review status: criteria provided, single submitter. Criteria: Invitae Variant Classification Sherloc (09022015). Collection method: clinical testing. Allele origin: germline.
Comment: This sequence change replaces cysteine, which is neutral and slightly polar, with serine, which is neutral and polar, at codon 1269 of the SLX4 protein (p.Cys1269Ser). This variant is present in population databases (rs779426291, gnomAD 0.006%). This variant has not been reported in the literature in individuals affected with SLX4-related conditions. ClinVar contains an entry for this variant (Variation ID: 997611). An algorithm developed to predict the effect of missense changes on protein structure and function outputs the following: PolyPhen-2: "Benign". The serine amino acid residue is found in multiple mammalian species, which suggests that this missense change does not adversely affect protein function. In summary, the available evidence is currently insufficient to determine the role of this variant in disease. Therefore, it has been classified as a Variant of Uncertain Significance.

Fulgent Genetics
Classification: Uncertain significance for Fanconi anemia complementation group P. Last evaluated: 2022-05-05. Review status: criteria provided, single submitter. Criteria: ACMG Guidelines, 2015. Collection method: clinical testing. Allele origin: unknown.

Baylor Genetics
Classification: Uncertain significance for Fanconi anemia complementation group P. Last evaluated: 2019-09-10. Review status: criteria provided, single submitter. Criteria: ACMG Guidelines, 2015. Collection method: clinical testing. Allele origin: unknown. Affected: yes. Study: CSER-TexasKidsCanSeq.
Comment: This variant was determined to be of uncertain significance according to ACMG Guidelines, 2015 [PMID:25741868].

NM_032444.4(SLX4):c.3806G>C (p.Cys1269Ser)

Gene: SLX4 (SLX4 structure-specific endonuclease subunit; minus strand). Cytogenetic location: 16p13.3.
Variant type: single nucleotide variant.
Coding change: c.3806G>C on transcript NM_032444.4 (MANE Select); coding-DNA position 3806, G replaced by C.
Protein change: p.Cys1269Ser; replaces cysteine 1269 with serine.
Molecular consequence: missense variant.
Genome position (GRCh38, 1-based): chr16:3,589,832, C>G on the plus strand (G>C on the coding strand, the complement: SLX4 is on the minus strand). VCF-style: chr16-3589832-C-G. GRCh37 (hg19) VCF-style: chr16-3639833-C-G.
Other names: short protein forms C1269S.
Identifiers: ClinVar variation 997611 (VCV000997611.10), dbSNP rs779426291, ClinGen allele CA7865828.